The following is an entry in ClinVar:

NM_017617.5(NOTCH1):c.2083G>A (p.Asp695Asn)

Gene: NOTCH1 (notch receptor 1; minus strand). Cytogenetic location: 9q34.3.
Variant type: single nucleotide variant.
Coding change: c.2083G>A on transcript NM_017617.5 (MANE Select); coding-DNA position 2083, G replaced by A.
Protein change: p.Asp695Asn; replaces aspartic acid 695 with asparagine.
Molecular consequence: missense variant.
Genome position (GRCh38, 1-based): chr9:136,514,634, C>T on the plus strand (G>A on the coding strand, the complement: NOTCH1 is on the minus strand). VCF-style: chr9-136514634-C-T. GRCh37 (hg19) VCF-style: chr9-139409086-C-T.
Other names: short protein forms D695N.
Identifiers: ClinVar variation 3252660 (VCV003252660.1), dbSNP rs767162403.

ClinVar aggregate classification (germline): Uncertain significance (1 of 4 stars; one submission).

gnomAD v4.1: 3 of 1,612,076 alleles (0.00019%); highest among the groups gnomAD compares: Non-Finnish European, 0.00025%; no homozygotes.

Submission:

GeneDx
Classification: Uncertain significance. Last evaluated: 2024-03-20. Review status: criteria provided, single submitter. Criteria: GeneDx Variant Classification Process June 2021. Collection method: clinical testing. Allele origin: germline. Affected: yes.
Comment: Not observed at significant frequency in large population cohorts (gnomAD); In silico analysis supports that this missense variant has a deleterious effect on protein structure/function; Has not been previously published as pathogenic or benign to our knowledge